The following is an entry in ClinVar:

ClinVar aggregate classification (germline): Conflicting classifications of pathogenicity. Review status: criteria provided, conflicting classifications (1 of 4 stars). 2 submissions from 2 submitters: Uncertain significance (1); Likely benign (1). Last evaluated 2025-09-24.

Conditions:
Cardiovascular phenotype. Identifiers: MedGen CN230736.
Hereditary cancer-predisposing syndrome. Also called: Hereditary Cancer Syndrome; Hereditary neoplastic syndrome; Neoplastic Syndromes, Hereditary; Tumor predisposition. Identifiers: Orphanet 140162, MedGen C0027672, MeSH D009386, MONDO:0015356.

Submissions (2):

Ambry Genetics
Classification: Likely benign for Cardiovascular phenotype; Hereditary cancer-predisposing syndrome. Last evaluated: 2025-09-24. Review status: criteria provided, single submitter. Criteria: Ambry Variant Classification Scheme 2023. Collection method: clinical testing. Allele origin: germline.

Labcorp Genetics (formerly Invitae), Labcorp
Classification: Uncertain significance. Last evaluated: 2024-04-25. Review status: criteria provided, single submitter. Criteria: Invitae Variant Classification Sherloc (09022015). Collection method: clinical testing. Allele origin: germline.
Comment: This sequence change replaces glutamic acid, which is acidic and polar, with alanine, which is neutral and non-polar, at codon 488 of the LZTR1 protein (p.Glu488Ala). This variant is not present in population databases (gnomAD no frequency). This variant has not been reported in the literature in individuals affected with LZTR1-related conditions. ClinVar contains an entry for this variant (Variation ID: 1773192). Advanced modeling of protein sequence and biophysical properties (such as structural, functional, and spatial information, amino acid conservation, physicochemical variation, residue mobility, and thermodynamic stability) performed at Invitae indicates that this missense variant is not expected to disrupt LZTR1 protein function with a negative predictive value of 80%. In summary, the available evidence is currently insufficient to determine the role of this variant in disease. Therefore, it has been classified as a Variant of Uncertain Significance.

NM_006767.4(LZTR1):c.1463A>C (p.Glu488Ala)

Gene: LZTR1 (leucine zipper like post translational regulator 1; plus strand). Cytogenetic location: 22q11.21.
Variant type: single nucleotide variant.
Coding change: c.1463A>C on transcript NM_006767.4 (MANE Select); coding-DNA position 1463, A replaced by C.
Protein change: p.Glu488Ala; replaces glutamic acid 488 with alanine.
Molecular consequence: missense variant.
Genome position (GRCh38, 1-based): chr22:20,994,117, A>C. VCF-style: chr22-20994117-A-C. GRCh37 (hg19) VCF-style: chr22-21348406-A-C.
Other names: short protein forms E488A.
Identifiers: ClinVar variation 1773192 (VCV001773192.8), dbSNP rs2518620719, ClinGen allele CA410775486.